The following is an entry in ClinVar:

NM_002667.5(PLN):c.94T>C (p.Phe32Leu)

Genes: PLN (phospholamban; plus strand), CEP85L (centrosomal protein 85L; minus strand). Cytogenetic location: 6q22.31.
Variant type: single nucleotide variant.
Coding change: c.94T>C on transcript NM_002667.5 (MANE Select); coding-DNA position 94, T replaced by C.
Protein change: p.Phe32Leu; replaces phenylalanine 32 with leucine.
Molecular consequence: missense variant. On other transcripts: intron variant (3).
Genome position (GRCh38, 1-based): chr6:118,559,015, T>C. VCF-style: chr6-118559015-T-C. GRCh37 (hg19) VCF-style: chr6-118880178-T-C.
Other names: c.1029+6514A>G (NM_001178035.2); c.1020+6514A>G (NM_001042475.3, NM_206921.3); short protein forms F32L.
Identifiers: ClinVar variation 2830094 (VCV002830094.3), dbSNP rs1489656774, ClinGen allele CA365546403.
Genomic context (GRCh38, chr6:118,559,015, plus strand): 5'-ATAAGAAGAGCCTCAACCATTGAAATGCCTCAACAAGCACGTCAAAAGCTACAGAATCTA[T>C]TTATCAATTTCTGTCTCATCTTAATATGTCTCTTGCTGATCTGTATCATCGTGATGCTTC-3'
Protein context (NP_002658.1, residues 22-42): QQARQKLQNL[Phe32Leu]INFCLILICL

ClinVar aggregate classification (germline): Uncertain significance (1 of 4 stars; one submission).

Conditions:
Dilated cardiomyopathy 1P (CMD1P). Identifiers: Orphanet 154, MedGen C1835928, MONDO:0012362, OMIM 609909.

Allele frequency attached by ClinVar (database versions not stated): gnomAD exomes below 0.00001.
gnomAD v4.1: 2 of 1,605,468 alleles (0.00012%); highest among the groups gnomAD compares: South Asian, 0.0022%; no homozygotes.

Submission:

Labcorp Genetics (formerly Invitae), Labcorp
Classification: Uncertain significance for Dilated cardiomyopathy 1P. Last evaluated: 2025-12-24. Review status: criteria provided, single submitter. Criteria: Invitae Variant Classification Sherloc (09022015). Collection method: clinical testing. Allele origin: germline.
Comment: This sequence change replaces phenylalanine, which is neutral and non-polar, with leucine, which is neutral and non-polar, at codon 32 of the PLN protein (p.Phe32Leu). This variant is present in population databases (no rsID available, gnomAD 0.003%). This variant has not been reported in the literature in individuals affected with PLN-related conditions. ClinVar contains an entry for this variant (Variation ID: 2830094). An algorithm developed to predict the effect of missense changes on protein structure and function (PolyPhen-2) suggests that this variant is likely to be tolerated. In summary, the available evidence is currently insufficient to determine the role of this variant in disease. Therefore, it has been classified as a Variant of Uncertain Significance.